The following is an entry in ClinVar:

ClinVar aggregate classification (germline): Likely pathogenic (1 of 4 stars; one submission).

Conditions:
Dilated cardiomyopathy 1G (CMD1G). Identifiers: Orphanet 154, MedGen C1858763, MONDO:0011400, OMIM 604145.
Autosomal recessive limb-girdle muscular dystrophy type 2J (LGMDR10). Also called: Limb-girdle muscular dystrophy, type 2J; MUSCULAR DYSTROPHY, LIMB-GIRDLE, AUTOSOMAL RECESSIVE 10. Identifiers: Orphanet 140922, MedGen C1837342, MONDO:0012127, OMIM 608807.

Submission:

Labcorp Genetics (formerly Invitae), Labcorp
Classification: Likely pathogenic for Dilated cardiomyopathy 1G; Autosomal recessive limb-girdle muscular dystrophy type 2J. Last evaluated: 2020-11-10. Review status: criteria provided, single submitter. Criteria: Invitae Variant Classification Sherloc (09022015). Collection method: clinical testing. Allele origin: germline.
Comment: This variant is located in the A band of TTN (PMID: 25589632). Truncating variants in this region are significantly overrepresented in patients affected with dilated cardiomyopathy (PMID: 25589632). Truncating variants in this region have also been reported in individuals affected with autosomal recessive centronuclear myopathy (PMID: 23975875). This variant has not been reported in the literature in individuals with TTN-related conditions. This sequence change creates a premature translational stop signal (p.Pro31831Thrfs*2) in the TTN gene. While this is not anticipated to result in nonsense mediated decay, it is expected to create a truncated TTN protein. This variant is not present in population databases (ExAC no frequency). In summary, the currently available evidence indicates that the variant is pathogenic, but additional data are needed to prove that conclusively. Therefore, this variant has been classified as Likely Pathogenic.

Literature cited by the submitters: PubMed 25589632; PubMed 23975875.

NM_001267550.2(TTN):c.95490dup (p.Pro31831fs)

Genes: TTN (titin; minus strand), TTN-AS1 (TTN antisense RNA 1; plus strand). Cytogenetic location: 2q31.2.
Variant type: Duplication.
Coding change: c.95490dup on transcript NM_001267550.2 (MANE Select); coding-DNA position 95490, one base duplicated (A; older notation c.95490dupA).
Protein change: p.Pro31831fs; shifts the reading frame from proline 31831.
Molecular consequence: frameshift variant.
Genome position (GRCh38, 1-based): chr2:178,545,620, T duplicated on the plus strand (A on the coding strand, the reverse complement: TTN is on the minus strand); the first of 4 consecutive T bases (chr2:178,545,620-178,545,623); duplicating any one gives the same sequence. VCF-style (leftmost placement, unchanged base first): chr2-178545619-G-GT. GRCh37 (hg19) VCF-style: chr2-179410346-G-GT.
Other names: c.90567dup, p.Pro30190fs (NM_001256850.1); c.68295dup, p.Pro22766fs (NM_003319.4); c.87786dup, p.Pro29263fs (NM_133378.4); c.68670dup, p.Pro22891fs (NM_133432.3); c.68871dup, p.Pro22958fs (NM_133437.4); short protein forms P22891fs, P22958fs, P31831fs, P22766fs, P29263fs, P30190fs.
Identifiers: ClinVar variation 1522684 (VCV001522684.8), dbSNP rs2154145209, ClinGen allele CA2573134062.
Genomic context (GRCh38, chr2:178,545,619, plus strand): 5'-TCTTCTTCTCACGTTTGTCTACTAGGTAGTTGCTGATTTCATTGCCACCATCAGATTCAG[G>GT]TTTTGTCCACTGAATGATGATATGCTCTTTGCCAGTCCCAACTTCTTCAGGTATGCCGGG-3'